The following is an entry in ClinVar:

ClinVar aggregate classification (germline): Conflicting classifications of pathogenicity. Review status: criteria provided, conflicting classifications (1 of 4 stars). 2 submissions from 2 submitters: Uncertain significance (1); Likely benign (1). Last evaluated 2025-11-27.

Conditions:
Inborn genetic diseases. Identifiers: MedGen C0950123, MeSH D030342.

Submissions (2):

Labcorp Genetics (formerly Invitae), Labcorp
Classification: Likely benign. Last evaluated: 2025-11-27. Review status: criteria provided, single submitter. Criteria: Invitae Variant Classification Sherloc (09022015). Collection method: clinical testing. Allele origin: germline.

Ambry Genetics
Classification: Uncertain significance for Inborn genetic diseases. Last evaluated: 2021-02-10. Review status: criteria provided, single submitter. Criteria: Ambry Variant Classification Scheme 2023. Collection method: clinical testing. Allele origin: germline.
Comment: The c.1008_1016delGGCACCGGG (p.P338_A340del) alteration is located in exon 9 (coding exon 8) of the APC2 gene. This alteration consists of an in-frame deletion of 9 nucleotides between nucleotide positions 1008 and 1016, resulting in the deletion of 3 residues. Based on insufficient or conflicting evidence, the clinical significance of this alteration remains unclear.

NM_005883.3(APC2):c.1008_1016del (p.335PGA[1])

Gene: APC2 (APC regulator of Wnt signaling pathway 2; plus strand). Cytogenetic location: 19p13.3.
Variant type: Deletion.
Coding change: c.1008_1016del on transcript NM_005883.3 (MANE Select); coding-DNA positions 1008 to 1016, 9 bases deleted (GGCACCGGG; older notation c.1008_1016delGGCACCGGG).
Protein change: p.335PGA[1].
Molecular consequence: inframe deletion.
Genome position (GRCh38, 1-based): chr19:1,457,044-1,457,052, GGCACCGGG deleted; deleting any 9 consecutive bases within chr19:1,457,042-1,457,052 gives the same sequence; the c. name uses the placement nearest the transcript's 3' end. VCF-style (leftmost placement, unchanged base first): chr19-1457041-AGGGGCACCG-A. GRCh37 (hg19) VCF-style: chr19-1457040-AGGGGCACCG-A.
Other names: c.1008_1016delGGCACCGGG (NM_005883.2); c.1005_1013del, p.334PGA[1] (NM_001351273.1).
Identifiers: ClinVar variation 2183209 (VCV002183209.5), dbSNP rs751591853, ClinGen allele CA9044947.